The following is an entry in ClinVar:

NM_001386140.1(MTTP):c.708_709del (p.His236fs)

Gene: MTTP (microsomal triglyceride transfer protein; plus strand). Cytogenetic location: 4q23.
Variant type: Microsatellite.
Coding change: c.708_709del on transcript NM_001386140.1 (MANE Select); coding-DNA positions 708 to 709, 2 bases deleted (CA; older notation c.708_709delCA).
Protein change: p.His236fs; shifts the reading frame from histidine 236.
Molecular consequence: frameshift variant.
Genome position (GRCh38, 1-based): chr4:99,591,740-99,591,741, CA deleted; deleting any 2 consecutive bases within chr4:99,591,735-99,591,741 gives the same sequence; the c. name uses the placement nearest the transcript's 3' end. VCF-style (leftmost placement, unchanged base first): chr4-99591734-AAC-A. GRCh37 (hg19) VCF-style: chr4-100512891-AAC-A.
Other names: c.708_709del (NM_000253.3); c.708_709del, p.His236fs (NM_000253.4); c.459_460del, p.His153fs (NM_001300785.2); short protein forms H236fs, H153fs.
Identifiers: ClinVar variation 435905 (VCV000435905.13), dbSNP rs1553926818, ClinGen allele CA645372754.
Genomic context (GRCh38, chr4:99,591,734, plus strand): 5'-TACATCTGTCACCACCTATAAGATAGAAGACAGCTTTGTTATAGCTGTGCTTGCTGAAGA[AAC>A]ACACAATTTTGGACTGAATTTCCTACAAACCATTAAGGGGAAAATAGTATCGAAGTAAGA-3'

ClinVar aggregate classification (germline): Pathogenic. Review status: criteria provided, multiple submitters, no conflicts (2 of 4 stars). 3 submissions from 3 submitters: Pathogenic (3). Last evaluated 2024-05-08.

Conditions:
Abetalipoproteinaemia (ABL). Also called: MTP DEFICIENCY; Abetalipoproteinemia; Abetalipoproteinemia neuropathy; Apolipoprotein B deficiency; Congenital betalipoprotein deficiency syndrome. Identifiers: Orphanet 14, MedGen C0000744, MONDO:0008692, OMIM 200100, HP:0008181.

Submissions (3):

Myriad Genetics, Inc.
Classification: Pathogenic for Abetalipoproteinaemia. Last evaluated: 2024-05-08. Review status: criteria provided, single submitter. Criteria: Myriad Autosomal Dominant, Autosomal Recessive and X-Linked Classification Criteria (2023). Collection method: clinical testing. Allele origin: unknown.
Comment: NM_000253.2(MTTP):c.708_709delCA(H236Qfs*11) is expected to be pathogenic in the context of abetalipoproteinemia. This variant is predicted to lead to an abnormal or absent protein product due to the creation of a premature termination codon in MTTP, a gene where loss-of-function variants are known to be pathogenic. Please note: this variant was assessed in the context of healthy population screening.

Labcorp Genetics (formerly Invitae), Labcorp
Classification: Pathogenic. Last evaluated: 2019-04-01. Review status: criteria provided, single submitter. Criteria: Invitae Variant Classification Sherloc (09022015). Collection method: clinical testing. Allele origin: germline.
Comment: For these reasons, this variant has been classified as Pathogenic. Loss-of-function variants in MTTP are known to be pathogenic (PMID: 8533758, 9671739). This variant has not been reported in the literature in individuals with MTTP-related conditions. ClinVar contains an entry for this variant (Variation ID: 435905). This variant is not present in population databases (ExAC no frequency). This sequence change creates a premature translational stop signal (p.His236Glnfs*11) in the MTTP gene. It is expected to result in an absent or disrupted protein product.

Genetic Services Laboratory, University of Chicago
Classification: Pathogenic for Abetalipoproteinemia. Last evaluated: 2016-06-02. Review status: criteria provided, single submitter. Criteria: ACMG Guidelines, 2015. Collection method: clinical testing. Allele origin: germline. Affected: yes.

Literature cited by the submitters: PubMed 8533758 (cited by Labcorp Genetics (formerly Invitae), Labcorp); PubMed 9671739 (cited by Labcorp Genetics (formerly Invitae), Labcorp).